The following is an entry in ClinVar:

ClinVar aggregate classification (germline): Uncertain significance (1 of 4 stars; one submission).

gnomAD v4.1: 6 of 1,604,238 alleles (0.00037%); highest among the groups gnomAD compares: Admixed American, 0.0068%; no homozygotes.

Submission:

GeneDx
Classification: Uncertain significance. Last evaluated: 2026-04-29. Review status: criteria provided, single submitter. Criteria: GeneDx Variant Classification Process June 2021. Collection method: clinical testing. Allele origin: germline.
Comment: Not observed at significant frequency in large population cohorts (gnomAD); In silico analysis supports that this missense variant has a deleterious effect on protein structure/function; Has not been previously published as pathogenic or benign to our knowledge

NM_001145809.2(MYH14):c.2544C>G (p.Ile848Met)

Gene: MYH14 (myosin heavy chain 14; plus strand). Cytogenetic location: 19q13.33.
Variant type: single nucleotide variant.
Coding change: c.2544C>G on transcript NM_001145809.2 (MANE Select); coding-DNA position 2544, C replaced by G.
Protein change: p.Ile848Met; replaces isoleucine 848 with methionine.
Molecular consequence: missense variant.
Genome position (GRCh38, 1-based): chr19:50,261,594, C>G. VCF-style: chr19-50261594-C-G. GRCh37 (hg19) VCF-style: chr19-50764851-C-G.
Other names: c.2445C>G, p.Ile815Met (NM_001077186.2); c.2421C>G, p.Ile807Met (NM_024729.4); short protein forms I848M, I815M, I807M.
Identifiers: ClinVar variation 3572499 (VCV003572499.2).
Genomic context (GRCh38, chr19:50,261,594, plus strand): 5'-CCGGGCTGGGGTCCTGGCCCAGCTGGAAGAGGAGCGAGACCTGAAGGTCACCGACATCAT[C>G]GTCTCCTTCCAGGCAGCTGCCCGGGGATACCTGGCTCGCAGGTGGGCAGCCACGCTGTCT-3'
Protein context (NP_001139281.1, residues 838-858): EERDLKVTDI[Ile848Met]VSFQAAARGY